The following is an entry in ClinVar:

NM_201384.3(PLEC):c.13077C>T (p.Phe4359=)

Gene: PLEC (plectin; minus strand). Cytogenetic location: 8q24.3.
Variant type: single nucleotide variant.
Coding change: c.13077C>T on transcript NM_201384.3 (MANE Select); coding-DNA position 13077, C replaced by T.
Protein change: p.Phe4359=; no amino-acid change (phenylalanine 4359 retained).
Molecular consequence: synonymous variant.
Genome position (GRCh38, 1-based): chr8:143,916,744, G>A on the plus strand (C>T on the coding strand, the complement: PLEC is on the minus strand). VCF-style: chr8-143916744-G-A. GRCh37 (hg19) VCF-style: chr8-144990912-G-A.
Other names: c.13158C>T, p.Phe4386= (NM_000445.5); c.13035C>T, p.Phe4345= (NM_201378.4); c.13011C>T, p.Phe4337= (NM_201379.3); c.13488C>T, p.Phe4496= (NM_201380.4); c.12981C>T, p.Phe4327= (NM_201381.3); c.13077C>T, p.Phe4359= (NM_201382.4); c.13089C>T, p.Phe4363= (NM_201383.3); c.13158C>T (NM_000445.4).
Identifiers: ClinVar variation 500734 (VCV000500734.15), dbSNP rs782380080, ClinGen allele CA4923911.

ClinVar aggregate classification (germline): Conflicting classifications of pathogenicity. Review status: criteria provided, conflicting classifications (1 of 4 stars). 4 submissions from 4 submitters: Uncertain significance (1); Likely benign (3). Last evaluated 2026-01-12.

Conditions:
Autosomal recessive limb-girdle muscular dystrophy type 2Q (LGMDR17). Also called: MUSCULAR DYSTROPHY, LIMB-GIRDLE, AUTOSOMAL RECESSIVE 17. Identifiers: Orphanet 254361, MedGen C3150989, MONDO:0013390, OMIM 613723.
Epidermolysis bullosa simplex 5B, with muscular dystrophy (EBS5B). Also called: EPIDERMOLYSIS BULLOSA SIMPLEX AND LIMB-GIRDLE MUSCULAR DYSTROPHY; Epidermolysis bullosa simplex with muscular dystrophy. Identifiers: Orphanet 257, MedGen C2931072, MONDO:0009181, OMIM 226670.
Epidermolysis bullosa simplex, Ogna type (EBS5A). Also called: Pidermolysis bullosa simplex 5A, Ogna type; EPIDERMOLYSIS BULLOSA SIMPLEX 5A, OGNA TYPE. Identifiers: Orphanet 79401, MedGen C0432317, MONDO:0007555, OMIM 131950.
Epidermolysis bullosa simplex with nail dystrophy (EBS5D). Identifiers: MedGen C4225309, MONDO:0014661, OMIM 616487.
Epidermolysis bullosa simplex 5C, with pyloric atresia (EBS5C). Also called: PLEC-Related Epidermolysis Bullosa with Pyloric Atresia; Epidermolysis bullosa simplex with pyloric atresia; PLEC1-Related Epidermolysis Bullosa with Pyloric Atresia. Identifiers: Orphanet 158684, MedGen C2677349, MONDO:0012807, OMIM 612138.
PLEC-related disorder. Also called: PLEC-related disorders; PLEC-related condition.

Allele frequency attached by ClinVar (database versions not stated): ExAC 0.00003; gnomAD 0.00003; gnomAD exomes 0.00004 and 0.00005; TOPMed 0.00005.
gnomAD v4.1: 80 of 1,613,046 alleles (0.005%); highest among the groups gnomAD compares: Middle Eastern, 0.016%; no homozygotes.

Submissions (4):

PreventionGenetics, part of Exact Sciences
Classification: Likely benign for PLEC-related condition. Last evaluated: 2026-01-12. Review status: criteria provided, single submitter. Criteria: ACMG Guidelines, 2015. Collection method: clinical testing. Allele origin: germline.
Comment: This variant is classified as likely benign based on ACMG/AMP sequence variant interpretation guidelines (Richards et al. 2015 PMID: 25741868, with internal and published modifications).

Labcorp Genetics (formerly Invitae), Labcorp
Classification: Likely benign for Autosomal recessive limb-girdle muscular dystrophy type 2Q; Epidermolysis bullosa simplex, Ogna type; Epidermolysis bullosa simplex with nail dystrophy; Epidermolysis bullosa simplex 5C, with pyloric atresia; Epidermolysis bullosa simplex 5B, with muscular dystrophy. Last evaluated: 2024-09-27. Review status: criteria provided, single submitter. Criteria: Invitae Variant Classification Sherloc (09022015). Collection method: clinical testing. Allele origin: germline.

Blueprint Genetics
Classification: Likely benign. Last evaluated: 2024-03-07. Review status: criteria provided, single submitter. Criteria: ACMG Guidelines, 2015. Collection method: clinical testing. Allele origin: germline.

Eurofins Ntd Llc (ga)
Classification: Uncertain significance. Last evaluated: 2017-11-08. Review status: criteria provided, single submitter. Criteria: EGL Classification Definitions 2015. Collection method: clinical testing. Allele origin: germline. Observed: 2 variant alleles, 2 heterozygotes.